The following is an entry in ClinVar:

ClinVar aggregate classification (germline): Uncertain significance (1 of 4 stars; one submission).

Conditions:
Charcot-Marie-Tooth disease type 4. Also called: Charcot-Marie-Tooth disease, type IV; Charcot-Marie-Tooth, Type 4. Identifiers: Orphanet 64749, MedGen C4082197, MONDO:0018995.

Allele frequency attached by ClinVar (database versions not stated): gnomAD exomes below 0.00001; TOPMed below 0.00001.
gnomAD v4.1: 2 of 1,613,944 alleles (0.00012%); highest among the groups gnomAD compares: Admixed American, 0.0017%; no homozygotes.

Submission:

Labcorp Genetics (formerly Invitae), Labcorp
Classification: Uncertain significance for Charcot-Marie-Tooth disease type 4. Last evaluated: 2024-01-31. Review status: criteria provided, single submitter. Criteria: Invitae Variant Classification Sherloc (09022015). Collection method: clinical testing. Allele origin: germline.
Comment: This sequence change replaces valine, which is neutral and non-polar, with methionine, which is neutral and non-polar, at codon 112 of the PRX protein (p.Val112Met). This variant is present in population databases (no rsID available, gnomAD 0.003%). This variant has not been reported in the literature in individuals affected with PRX-related conditions. ClinVar contains an entry for this variant (Variation ID: 1468733). An algorithm developed to predict the effect of missense changes on protein structure and function (PolyPhen-2) suggests that this variant is likely to be disruptive. In summary, the available evidence is currently insufficient to determine the role of this variant in disease. Therefore, it has been classified as a Variant of Uncertain Significance.

NM_181882.3(PRX):c.334G>A (p.Val112Met)

Gene: PRX (periaxin; minus strand). Cytogenetic location: 19q13.2.
Variant type: single nucleotide variant.
Coding change: c.334G>A on transcript NM_181882.3 (MANE Select); coding-DNA position 334, G replaced by A.
Protein change: p.Val112Met; replaces valine 112 with methionine.
Molecular consequence: missense variant.
Genome position (GRCh38, 1-based): chr19:40,398,667, C>T on the plus strand (G>A on the coding strand, the complement: PRX is on the minus strand). VCF-style: chr19-40398667-C-T. GRCh37 (hg19) VCF-style: chr19-40904574-C-T.
Other names: c.334G>A, p.Val112Met (NM_020956.2); short protein forms V112M.
Identifiers: ClinVar variation 1468733 (VCV001468733.8), dbSNP rs1374240096, ClinGen allele CA405901125.